The following is an entry in ClinVar:

ClinVar aggregate classification (germline): Uncertain significance (1 of 4 stars; one submission).

Allele frequency attached by ClinVar (database versions not stated): gnomAD 0.00001; TOPMed 0.00002; ESP Exome Variant Server 0.00008.
gnomAD v4.1: 30 of 1,612,330 alleles (0.0019%); highest among the groups gnomAD compares: East Asian, 0.0022%; no homozygotes.

Submission:

Labcorp Genetics (formerly Invitae), Labcorp
Classification: Uncertain significance. Last evaluated: 2023-08-20. Review status: criteria provided, single submitter. Criteria: Invitae Variant Classification Sherloc (09022015). Collection method: clinical testing. Allele origin: germline.
Comment: This sequence change replaces arginine, which is basic and polar, with glutamine, which is neutral and polar, at codon 487 of the ERBB2 protein (p.Arg487Gln). This variant is present in population databases (rs371450390, gnomAD 0.08%), and has an allele count higher than expected for a pathogenic variant. This variant has not been reported in the literature in individuals affected with ERBB2-related conditions. Advanced modeling of protein sequence and biophysical properties (such as structural, functional, and spatial information, amino acid conservation, physicochemical variation, residue mobility, and thermodynamic stability) performed at Invitae indicates that this missense variant is not expected to disrupt ERBB2 protein function. In summary, the available evidence is currently insufficient to determine the role of this variant in disease. Therefore, it has been classified as a Variant of Uncertain Significance.

NM_004448.4(ERBB2):c.1460G>A (p.Arg487Gln)

Gene: ERBB2 (erb-b2 receptor tyrosine kinase 2; plus strand). Cytogenetic location: 17q12.
Variant type: single nucleotide variant.
Coding change: c.1460G>A on transcript NM_004448.4 (MANE Select); coding-DNA position 1460, G replaced by A.
Protein change: p.Arg487Gln; replaces arginine 487 with glutamine.
Molecular consequence: missense variant. On other transcripts: non-coding transcript variant (1), intron variant (1).
Genome position (GRCh38, 1-based): chr17:39,715,886, G>A. VCF-style: chr17-39715886-G-A. GRCh37 (hg19) VCF-style: chr17-37872139-G-A.
Other names: c.1460G>A, p.Arg487Gln (NM_001382788.1, NM_001382790.1, NM_001382792.1 and 12 more transcripts); c.1481G>A, p.Arg494Gln (NM_001382789.1); c.1451G>A, p.Arg484Gln (NM_001382791.1); c.1370G>A, p.Arg457Gln (NM_001005862.3, NM_001289938.2, NM_001382782.1 and 1 more transcripts); c.1415G>A, p.Arg472Gln (NM_001289936.2); c.1577G>A, p.Arg526Gln (NM_001382784.1, NM_001382786.1); c.1535G>A, p.Arg512Gln (NM_001382787.1); c.1280G>A, p.Arg427Gln (NM_001382799.1); and 3 more; short protein forms R472Q, R211Q, R484Q, R526Q, R401Q, R427Q, R457Q, R487Q.
Identifiers: ClinVar variation 2884366 (VCV002884366.3), dbSNP rs371450390, ClinGen allele CA8533987.